The following is an entry in ClinVar:

ClinVar aggregate classification (germline): Conflicting classifications of pathogenicity. Review status: criteria provided, conflicting classifications (1 of 4 stars). 19 submissions from 19 submitters: Uncertain significance (3); Uncertain risk allele (1); Benign (4); Likely benign (5). 6 of the submissions do not count toward it. Last evaluated 2026-09-01.

Conditions:
Gaucher disease. Also called: Acute cerebral Gaucher disease; Cerebroside lipidosis syndrome; Gaucher splenomegaly; Sphingolipidosis 1; Glucocerebrosidosis; Glucosylceramidase deficiency. Identifiers: Orphanet 355, MedGen C0017205, MONDO:0018150.
Parkinson disease, late-onset (PD). Also called: Susceptibility to Parkinson's Disease; PARKINSON DISEASE, LATE-ONSET, SUSCEPTIBILITY TO; Hereditary late onset Parkinson disease. Identifiers: Orphanet 411602, MedGen C3160718, MONDO:0008199, OMIM 168600.
Gaucher disease perinatal lethal. Also called: Gaucher disease collodion type; Gaucher Disease, Perinatal-Lethal Form. Identifiers: Orphanet 85212, MedGen C1842704, MONDO:0011945, OMIM 608013.

Allele frequency attached by ClinVar (database versions not stated): 1000 Genomes Project 0.00180; 1000 Genomes Project 30x 0.00187; gnomAD exomes 0.00594 and 0.00714; ExAC 0.00657; ESP Exome Variant Server 0.00515; TOPMed 0.00546; gnomAD 0.00627 and 0.00587.
gnomAD v4.1: 11,261 of 1,613,292 alleles (0.7%); highest among the groups gnomAD compares: Non-Finnish European, 0.82%; 68 homozygotes.

Submissions (19):

CeGaT Center for Human Genetics Tuebingen
Classification: Likely benign. Last evaluated: 2026-09-01. Review status: criteria provided, single submitter. Criteria: CeGaT Center For Human Genetics Tuebingen Variant Classification Criteria Version 2. Collection method: clinical testing. Allele origin: germline. Affected: yes. Observed: 91 variant alleles.
Comment: GBA1: BS2

Greenwood Genetic Center Diagnostic Laboratories, Greenwood Genetic Center
Classification: Uncertain significance. Last evaluated: 2025-06-18. Review status: criteria provided, single submitter. Criteria: ACMG Guidelines, 2015. Collection method: clinical testing. Allele origin: germline. Affected: yes.
Comment: BS1

PreventionGenetics, part of Exact Sciences
Classification: Uncertain risk allele. Last evaluated: 2025-04-22. Review status: criteria provided, single submitter. Criteria: ACMG Guidelines, 2015. Collection method: clinical testing. Allele origin: germline.
Comment: This variant has been reported in individuals with Gaucher disease (Beutler et al. 1996. PubMed ID: 8774051; Walker et al. 2003. PubMed ID: 12694238; Hodanová et al. 2003. PubMed ID: 12734541; Koprivica et al. 2000. PubMed ID: 10796875). Functional studies suggest that the activity of glucocerebrosidase with this variant is 40% of wild-type glucocerebrosidase, indicating that it is a very mild variant, or even on the verge of polymorphism (Hodanová et al. 2003. PubMed ID: 12734541; Walker et al. 2003. PubMed ID: 12694238). This variant was reported with another pathogenic variant R120W in cis (Walker et al. 2003. PubMed ID: 12694238). This variant is reported in 0.99% of alleles in individuals of European (Finnish) descent in gnomAD. Based on above information, this variant is classified as benign for Gaucher disease. However, the allele frequency of this variant was twice as high in Parkinson disease patients as in controls (OR = 2.24, 95% CI 1.05-4.79, p = 0.033) (Emelyanov et al. 2018. PubMed ID: 30146349). Another large scale study suggests that this variant is insufficient to cause Gaucher disease, but is robustly associated with Parkinson disease (Blauwendraat et al. 2018. PubMed ID: 30302829). Thus, this variant is classified as a risk factor for Parkinson disease.

Blueprint Genetics
Classification: Likely benign. Last evaluated: 2024-11-26. Review status: criteria provided, single submitter. Criteria: ACMG Guidelines, 2015. Collection method: clinical testing. Allele origin: germline.

ARUP Laboratories, Molecular Genetics and Genomics, ARUP Laboratories
Classification: Benign. Last evaluated: 2024-11-11. Review status: criteria provided, single submitter. Criteria: ARUP Molecular Germline Variant Investigation Process 2024. Collection method: clinical testing. Allele origin: germline.

Genome-Nilou Lab
Classification: Likely benign for Gaucher disease perinatal lethal. Last evaluated: 2021-05-18. Review status: criteria provided, single submitter. Criteria: ACMG Guidelines, 2015. Collection method: clinical testing. Allele origin: germline. Affected: no.

Broad Center for Mendelian Genomics, Broad Institute of MIT and Harvard
Classification: Uncertain significance for Gaucher disease. Last evaluated: 2020-01-22. Review status: criteria provided, single submitter. Criteria: ACMG Guidelines, 2015. Collection method: curation. Allele origin: germline. Inheritance: Autosomal recessive inheritance.
Comment: The p.Thr408Met variant in GBA has been reported in at least 4 individuals with Gaucher disease (PMID: 12734541, 12694238, 10796875) and has been identified in 0.992% (249/25102) of European (Finnish) chromosomes by the Genome Aggregation Database (gnomAD; dbSNP rs75548401). This variant has also been reported in ClinVar (VariationID: 93447) as a VUS by DST/NWU Preclinical Drug Development Platform, as likely benign by CeGaT Praxis fuer Humangnetik Tuebingen and Children's Mercy Hospital and Clinics, and as benign by PreventionGenetics, EGL Genetic Diagnostics, and Integrated Genetics. In vitro functional studies provide some evidence that the p.Thr408Met variant may not impact protein function (PMID: 12734541). However, these types of assays may not accurately represent biological function. Computational prediction tools and conservation analyses suggest that this variant may impact the protein, though this information is not predictive enough to determine pathogenicity. This variant was reported with a reported pathogenic variant in an unknown phase in 2 individuals with Gaucher disease (VariationID: 4290; PMID: 12734541, 10796875). However, this variant was also found in cis with other pathogenic variants, suggesting that it may not cause disease (VariationID: 65570, 4293; PMID: 12734541, 12694238). In summary, the clinical significance of the p.Thr408Met variant is uncertain. ACMG/AMP Criteria applied: BS1, PP3, BP2, BS3_supporting (Richards 2015).

GeneDx
Classification: Benign. Last evaluated: 2018-12-11. Review status: criteria provided, single submitter. Criteria: GeneDx Variant Classification Process June 2021. Collection method: clinical testing. Allele origin: germline. Affected: yes.
Comment: This variant is associated with the following publications: (PMID: 32658388, 33281709, 32618053, 29487000, 28966932, 29842932, 30548430, 30146349, 30302829, 29396846, 28834018, 29140481, 27153395, 27648471, 28030538, 26000814, 27094865, 8774051, 22001711, 18987351, 22173904, 12694238)

Centre for Mendelian Genomics, University Medical Centre Ljubljana
Classification: Uncertain significance for Gaucher disease perinatal lethal. Last evaluated: 2018-09-28. Review status: criteria provided, single submitter. Criteria: ACMG Guidelines, 2015. Collection method: clinical testing. Allele origin: unknown. Affected: yes.
Comment: This variant was classified as: Uncertain significance. The available evidence favors the benign nature of this variant, however the evidence is insufficent to prove its benign nature. The following ACMG criteria were applied in classifying this variant: BP4.

Ambry Genetics
Classification: Likely benign. Last evaluated: 2018-02-05. Review status: criteria provided, single submitter. Criteria: Ambry Variant Classification Scheme 2023. Collection method: clinical testing. Allele origin: germline.

Women's Health and Genetics/Laboratory Corporation of America, LabCorp
Classification: Benign. Last evaluated: 2018-01-02. Review status: criteria provided, single submitter. Criteria: LabCorp Variant Classification Summary - May 2015. Collection method: clinical testing. Allele origin: germline.
Comment: Variant summary: The GBA c.1223C>T (p.Thr408Met, also known as Thr369Met) variant located in the glycosyl hydrolase family 30, TIM-barrel domain (via InterPro) involves the alteration of a non-conserved nucleotide and 2/3 in silico tools predict a benign outcome for this variant (SNPsandGO and MutationTaster not captured due to low reliability index and p-value). This variant was found in 1708/277314 (7 homozygotes) control chromosomes (gnomAD and publication controls) at a frequency of 0.0061591, which is approximately 1 times the estimated maximal expected allele frequency of a pathogenic GBA variant (0.005), suggesting this variant is likely a benign polymorphism. Multiple publications have cited the variant in affected individuals including a co-occurrence with another pathogenic GBA variant, D409H (also known as D448H - scored DV)(Hodanova_1999). Another publication, Walker_2003, cites the variant, T369M, as a polymorphism. A publication, Hodanova_2003, does indicate the variant could cause a functional impact but the authors state that at most would be a mild mutation even on the verge of a polymorphism. In addition, multiple clinical diagnostic laboratories/reputable databases classified this variant as "likely benign/benign." Taken together, this variant is classified as benign.

Eurofins Ntd Llc (ga)
Classification: Benign. Last evaluated: 2016-05-09. Review status: criteria provided, single submitter. Criteria: EGL Classification Definitions 2015. Collection method: clinical testing. Allele origin: germline. Observed: 6 variant alleles, 6 heterozygotes.

Center for Pediatric Genomic Medicine, Children's Mercy Hospital and Clinics
Classification: Likely benign. Last evaluated: 2015-12-23. Review status: criteria provided, single submitter. Criteria: ACMG Guidelines, 2015. Collection method: clinical testing. Allele origin: germline.
ClinVar note: Converted during submission from Likely Benign to Likely benign.

Natera, Inc.
Classification: Likely benign for Gaucher disease. Last evaluated: 2017-06-14. Review status: no assertion criteria provided. Collection method: clinical testing. Allele origin: germline. Not counted in ClinVar's aggregate classification.

Mayo Clinic Laboratories, Mayo Clinic
Classification: Benign. Last evaluated: 2017-05-17. Review status: no assertion criteria provided. Collection method: clinical testing. Allele origin: unknown. Not counted in ClinVar's aggregate classification.

DST/NWU Preclinical Drug Development Platform, North-West University
Classification: Uncertain significance for Parkinson disease, late-onset. Last evaluated: 2015-09-08. Review status: no assertion criteria provided. Collection method: research. Allele origin: unknown. Affected: yes. Observed: 2 variant alleles, 2 heterozygotes. Study: GBA_PD_RSA. Not counted in ClinVar's aggregate classification.

Clinical Genetics DNA and cytogenetics Diagnostics Lab, Erasmus MC, Erasmus Medical Center
Classification: Likely benign. Review status: no assertion criteria provided. Collection method: clinical testing. Allele origin: germline. Affected: yes. Study: VKGL Data-share Consensus. Not counted in ClinVar's aggregate classification.

Diagnostic Laboratory, Department of Genetics, University Medical Center Groningen
Classification: Likely benign. Review status: no assertion criteria provided. Collection method: clinical testing. Allele origin: germline. Affected: yes. Study: VKGL Data-share Consensus. Not counted in ClinVar's aggregate classification.

Genome Diagnostics Laboratory, Amsterdam University Medical Center
Classification: Likely benign. Review status: no assertion criteria provided. Collection method: clinical testing. Allele origin: germline. Affected: yes. Study: VKGL Data-share Consensus. Not counted in ClinVar's aggregate classification.

Literature cited by the submitters: PubMed 26117366 (cited by Broad Center for Mendelian Genomics, Broad Institute of MIT and Harvard); PubMed 12694238 (cited by 3 submitters); PubMed 12734541 (cited by Broad Center for Mendelian Genomics, Broad Institute of MIT and Harvard); PubMed 10796875 (cited by Broad Center for Mendelian Genomics, Broad Institute of MIT and Harvard and Women's Health and Genetics/Laboratory Corporation of America, LabCorp); PubMed 10744424 (cited by Ambry Genetics); PubMed 27094865 (cited by Ambry Genetics); PubMed 27153395 (cited by Ambry Genetics); PubMed 28834018 (cited by Ambry Genetics); PubMed 8889578 (cited by Ambry Genetics); PubMed 8774051 (cited by Eurofins Ntd Llc (ga)).

NM_000157.4(GBA1):c.1223C>T (p.Thr408Met)

Genes: GBA1 (glucosylceramidase beta 1; minus strand), LOC106627981 (GBA recombination region; plus strand). Cytogenetic location: 1q22.
Variant type: single nucleotide variant.
Coding change: c.1223C>T on transcript NM_000157.4 (MANE Select); coding-DNA position 1223, C replaced by T.
Protein change: p.Thr408Met; replaces threonine 408 with methionine.
Molecular consequence: missense variant.
Genome position (GRCh38, 1-based): chr1:155,236,246, G>A on the plus strand (C>T on the coding strand, the complement: GBA1 is on the minus strand). VCF-style: chr1-155236246-G-A. GRCh37 (hg19) VCF-style: chr1-155206037-G-A.
Other names: c.1223C>T, p.Thr408Met (NM_001005741.3, NM_001005742.3); c.962C>T, p.Thr321Met (NM_001171811.2); c.1076C>T, p.Thr359Met (NM_001171812.2); c.1223C>T (NM_001005742.2); short protein forms T408M, T359M, T321M.
Identifiers: ClinVar variation 93447 (VCV000093447.74), dbSNP rs75548401, ClinGen allele CA221388.